The following is an entry in ClinVar:

NM_002691.4(POLD1):c.698T>A (p.Val233Glu)

Gene: POLD1 (DNA polymerase delta 1, catalytic subunit; plus strand). Cytogenetic location: 19q13.33.
Variant type: single nucleotide variant.
Coding change: c.698T>A on transcript NM_002691.4 (MANE Select); coding-DNA position 698, T replaced by A.
Protein change: p.Val233Glu; replaces valine 233 with glutamic acid.
Molecular consequence: missense variant. On other transcripts: non-coding transcript variant (1).
Genome position (GRCh38, 1-based): chr19:50,402,313, T>A. VCF-style: chr19-50402313-T-A. GRCh37 (hg19) VCF-style: chr19-50905570-T-A.
Other names: c.698T>A, p.Val233Glu (NM_001256849.1, NM_001308632.1, NM_001438210.1 and 3 more transcripts); short protein forms V233E.
Identifiers: ClinVar variation 4669290 (VCV004669290.1).

ClinVar aggregate classification (germline): Uncertain significance (1 of 4 stars; one submission).

Conditions:
Hereditary cancer-predisposing syndrome. Also called: Neoplastic Syndromes, Hereditary; Tumor predisposition; Hereditary Cancer Syndrome; Hereditary neoplastic syndrome. Identifiers: Orphanet 140162, MedGen C0027672, MeSH D009386, MONDO:0015356.

Submission:

Ambry Genetics
Classification: Uncertain significance for Hereditary cancer-predisposing syndrome. Last evaluated: 2025-11-10. Review status: criteria provided, single submitter. Criteria: Ambry Variant Classification Scheme 2023. Collection method: clinical testing. Allele origin: germline.
Comment: The p.V233E variant (also known as c.698T>A), located in coding exon 5 of the POLD1 gene, results from a T to A substitution at nucleotide position 698. The valine at codon 233 is replaced by glutamic acid, an amino acid with dissimilar properties. This amino acid position is conserved. In addition, this alteration is predicted to be tolerated by in silico analysis. Based on the available evidence, the clinical significance of this variant remains unclear.